The following is an entry in ClinVar:

ClinVar aggregate classification (germline): Likely benign. Review status: criteria provided, multiple submitters, no conflicts (2 of 4 stars). 2 submissions from 2 submitters: Likely benign (2). Last evaluated 2026-06-09.

Conditions:
PCDH12-related disorder. Also called: PCDH12-related condition.

Allele frequency attached by ClinVar (database versions not stated): gnomAD 0.00001 and 0.00002; TOPMed 0.00003; ExAC 0.00005; gnomAD exomes 0.00007.
gnomAD v4.1: 66 of 1,613,542 alleles (0.0041%); highest among the groups gnomAD compares: Admixed American, 0.017%; no homozygotes.

Submissions (2):

PreventionGenetics, part of Exact Sciences
Classification: Likely benign for PCDH12-related condition. Last evaluated: 2026-06-09. Review status: criteria provided, single submitter. Criteria: ACMG Guidelines, 2015. Collection method: clinical testing. Allele origin: germline.
Comment: This variant is classified as likely benign based on ACMG/AMP sequence variant interpretation guidelines (Richards et al. 2015 PMID: 25741868, with internal and published modifications).

Labcorp Genetics (formerly Invitae), Labcorp
Classification: Likely benign. Last evaluated: 2024-08-13. Review status: criteria provided, single submitter. Criteria: Invitae Variant Classification Sherloc (09022015). Collection method: clinical testing. Allele origin: germline.

NM_016580.4(PCDH12):c.3426C>T (p.Cys1142=)

Gene: PCDH12 (protocadherin 12; minus strand). Cytogenetic location: 5q31.3.
Variant type: single nucleotide variant.
Coding change: c.3426C>T on transcript NM_016580.4 (MANE Select); coding-DNA position 3426, C replaced by T.
Protein change: p.Cys1142=; no amino-acid change (cysteine 1142 retained).
Molecular consequence: synonymous variant.
Genome position (GRCh38, 1-based): chr5:141,945,510, G>A on the plus strand (C>T on the coding strand, the complement: PCDH12 is on the minus strand). VCF-style: chr5-141945510-G-A. GRCh37 (hg19) VCF-style: chr5-141325075-G-A.
Other names: c.3426C>T (NM_016580.3).
Identifiers: ClinVar variation 1582024 (VCV001582024.9), dbSNP rs780737042, ClinGen allele CA3483956.